The following is an entry in ClinVar:

ClinVar aggregate classification (germline): Uncertain significance (1 of 4 stars; one submission).

Conditions:
Isolated microphthalmia 8. Identifiers: Orphanet 2542, MedGen C3554524, MONDO:0014050, OMIM 615113.

Allele frequency attached by ClinVar (database versions not stated): gnomAD exomes below 0.00001.

Submission:

Labcorp Genetics (formerly Invitae), Labcorp
Classification: Uncertain significance for Isolated microphthalmia 8. Last evaluated: 2022-09-07. Review status: criteria provided, single submitter. Criteria: Invitae Variant Classification Sherloc (09022015). Collection method: clinical testing. Allele origin: germline.
Comment: This sequence change replaces alanine, which is neutral and non-polar, with valine, which is neutral and non-polar, at codon 206 of the ALDH1A3 protein (p.Ala206Val). This variant is not present in population databases (gnomAD no frequency). This variant has not been reported in the literature in individuals affected with ALDH1A3-related conditions. ClinVar contains an entry for this variant (Variation ID: 1426156). Algorithms developed to predict the effect of missense changes on protein structure and function (SIFT, PolyPhen-2, Align-GVGD) all suggest that this variant is likely to be disruptive. In summary, the available evidence is currently insufficient to determine the role of this variant in disease. Therefore, it has been classified as a Variant of Uncertain Significance.

NM_000693.4(ALDH1A3):c.617C>T (p.Ala206Val)

Genes: ALDH1A3 (aldehyde dehydrogenase 1 family member A3; plus strand), ALDH1A3-AS1 (ALDH1A3 antisense RNA 1; minus strand). Cytogenetic location: 15q26.3.
Variant type: single nucleotide variant.
Coding change: c.617C>T on transcript NM_000693.4 (MANE Select); coding-DNA position 617, C replaced by T.
Protein change: p.Ala206Val; replaces alanine 206 with valine.
Molecular consequence: missense variant. On other transcripts: non-coding transcript variant (1), intron variant (1).
Genome position (GRCh38, 1-based): chr15:100,894,033, C>T. VCF-style: chr15-100894033-C-T. GRCh37 (hg19) VCF-style: chr15-101434238-C-T.
Other names: c.346-1900C>T (NM_001293815.2); short protein forms A206V.
Identifiers: ClinVar variation 1426156 (VCV001426156.6), dbSNP rs2141556402, ClinGen allele CA393942137.